The following is an entry in ClinVar:

NM_001486.4(GCKR):c.1551G>T (p.Trp517Cys)

Gene: GCKR (glucokinase regulator; plus strand). Cytogenetic location: 2p23.3.
Variant type: single nucleotide variant.
Coding change: c.1551G>T on transcript NM_001486.4 (MANE Select); coding-DNA position 1551, G replaced by T.
Protein change: p.Trp517Cys; replaces tryptophan 517 with cysteine.
Molecular consequence: missense variant.
Genome position (GRCh38, 1-based): chr2:27,518,916, G>T. VCF-style: chr2-27518916-G-T. GRCh37 (hg19) VCF-style: chr2-27741783-G-T.
Other names: short protein forms W517C.
Identifiers: ClinVar variation 4751950 (VCV004751950.1).
Genomic context (GRCh38, chr2:27,518,916, plus strand): 5'-TGGTAAGATCCTACAAAACCACATGTTGGACCTTCGGATTAGCAACTCCAAGCTCTTCTG[G>T]CGGGCGCTGGCCATGCTGCAGGTAGGGATATGATGGGGCAGGGTTGGGTGGGACCTGGCC-3'
Protein context (NP_001477.2, residues 507-527): DLRISNSKLF[Trp517Cys]RALAMLQRFS

ClinVar aggregate classification (germline): Uncertain significance (1 of 4 stars; one submission).

gnomAD v4.1: 77 of 1,613,536 alleles (0.0048%); highest among the groups gnomAD compares: East Asian, 0.16%; no homozygotes.

Submission:

Labcorp Genetics (formerly Invitae), Labcorp
Classification: Uncertain significance. Last evaluated: 2025-10-08. Review status: criteria provided, single submitter. Criteria: Invitae Variant Classification Sherloc (09022015). Collection method: clinical testing. Allele origin: germline.
Comment: This sequence change replaces tryptophan, which is neutral and slightly polar, with cysteine, which is neutral and slightly polar, at codon 517 of the GCKR protein (p.Trp517Cys). This variant is present in population databases (rs146285804, gnomAD 0.2%), and has an allele count higher than expected for a pathogenic variant. This missense change has been observed in individual(s) with glucokinase regulatory protein deficiency (PMID: 36325899). Invitae Evidence Modeling of protein sequence and biophysical properties (such as structural, functional, and spatial information, amino acid conservation, physicochemical variation, residue mobility, and thermodynamic stability) indicates that this missense variant is not expected to disrupt GCKR protein function with a negative predictive value of 80%. In summary, the available evidence is currently insufficient to determine the role of this variant in disease. Therefore, it has been classified as a Variant of Uncertain Significance.

Literature cited by the submitters: PubMed 36325899.